The following is an entry in ClinVar:

NM_000268.4(NF2):c.1324G>A (p.Glu442Lys)

Gene: NF2 (NF2, moesin-ezrin-radixin like (MERLIN) tumor suppressor; plus strand). Cytogenetic location: 22q12.2.
Variant type: single nucleotide variant.
Coding change: c.1324G>A on transcript NM_000268.4 (MANE Select); coding-DNA position 1324, G replaced by A.
Protein change: p.Glu442Lys; replaces glutamic acid 442 with lysine.
Molecular consequence: missense variant. On other transcripts: non-coding transcript variant (1), intron variant (1).
Genome position (GRCh38, 1-based): chr22:29,673,470, G>A. VCF-style: chr22-29673470-G-A. GRCh37 (hg19) VCF-style: chr22-30069459-G-A.
Other names: c.1210G>A, p.Glu404Lys (NM_001407053.1, NM_001407056.1); c.1201G>A, p.Glu401Lys (NM_001407054.1, NM_001407058.1, NM_181829.3); c.1198G>A, p.Glu400Lys (NM_001407055.1, NM_181828.3); c.1189G>A, p.Glu397Lys (NM_001407057.1, NM_001407059.1); c.1324G>A, p.Glu442Lys (NM_001407060.1, NM_001407066.1, NM_016418.5 and 2 more transcripts); c.1066G>A, p.Glu356Lys (NM_001407062.1); c.1075G>A, p.Glu359Lys (NM_001407063.1, NM_001407064.1, NM_181830.3 and 1 more transcripts); c.790G>A, p.Glu264Lys (NM_001407065.1); and 2 more; short protein forms E264K, E356K, E365K, E359K, E400K, E442K, E397K, E401K.
Identifiers: ClinVar variation 2160976 (VCV002160976.2), dbSNP rs1470741536, ClinGen allele CA411148676.

ClinVar aggregate classification (germline): Uncertain significance (1 of 4 stars; one submission).

Conditions:
Neurofibromatosis, type 2 (SWNV). Also called: SCHWANNOMATOSIS, VESTIBULAR; BILATERAL ACOUSTIC NEUROFIBROMATOSIS; NF2-Related Schwannomatosis. Identifiers: Orphanet 637, MedGen C0027832, MONDO:0007039, OMIM 101000. Disease mechanism: loss of function.

Submission:

Labcorp Genetics (formerly Invitae), Labcorp
Classification: Uncertain significance for Neurofibromatosis, type 2. Last evaluated: 2025-06-19. Review status: criteria provided, single submitter. Criteria: Invitae Variant Classification Sherloc (09022015). Collection method: clinical testing. Allele origin: germline.
Comment: This sequence change replaces glutamic acid, which is acidic and polar, with lysine, which is basic and polar, at codon 442 of the NF2 protein (p.Glu442Lys). This variant is not present in population databases (gnomAD no frequency). This variant has not been reported in the literature in individuals affected with NF2-related conditions. ClinVar contains an entry for this variant (Variation ID: 2160976). Invitae Evidence Modeling of protein sequence and biophysical properties (such as structural, functional, and spatial information, amino acid conservation, physicochemical variation, residue mobility, and thermodynamic stability) indicates that this missense variant is not expected to disrupt NF2 protein function with a negative predictive value of 80%. In summary, the available evidence is currently insufficient to determine the role of this variant in disease. Therefore, it has been classified as a Variant of Uncertain Significance.